The following is an entry in ClinVar:

NM_000051.4(ATM):c.2499A>C (p.Gly833=)

Gene: ATM (ATM serine/threonine kinase; plus strand). Cytogenetic location: 11q22.3.
Variant type: single nucleotide variant.
Coding change: c.2499A>C on transcript NM_000051.4 (MANE Select); coding-DNA position 2499, A replaced by C.
Protein change: p.Gly833=; no amino-acid change (glycine 833 retained).
Molecular consequence: synonymous variant.
Genome position (GRCh38, 1-based): chr11:108,267,203, A>C. VCF-style: chr11-108267203-A-C. GRCh37 (hg19) VCF-style: chr11-108137930-A-C.
Other names: c.2499A>C, p.Gly833= (NM_001351834.2).
Identifiers: ClinVar variation 414530 (VCV000414530.18), dbSNP rs1060504263, ClinGen allele CA16613099.

ClinVar aggregate classification (germline): Benign/Likely benign. Review status: criteria provided, multiple submitters, no conflicts (2 of 4 stars). 4 submissions from 4 submitters: Benign (1); Likely benign (3). Last evaluated 2025-11-17.

Conditions:
Hereditary cancer-predisposing syndrome. Also called: Tumor predisposition; Neoplastic Syndromes, Hereditary; Hereditary Cancer Syndrome; Hereditary neoplastic syndrome. Identifiers: Orphanet 140162, MedGen C0027672, MeSH D009386, MONDO:0015356.
Familial cancer of breast. Also called: Hereditary breast cancer; BREAST CANCER, FAMILIAL; hereditary breast carcinoma. Identifiers: Orphanet 227535, MedGen C0346153, MONDO:0016419, OMIM 114480. Disease mechanism: loss of function.
Ataxia-telangiectasia syndrome (AT). Also called: Ataxia-telangiectasia; Cerebello-oculocutaneous telangiectasia; Immunodeficiency with ataxia telangiectasia; ATAXIA-TELANGIECTASIA, COMPLEMENTATION GROUP A; ATAXIA-TELANGIECTASIA, FRESNO VARIANT; Ataxia-telangiectasia, complementation group D. Identifiers: Orphanet 100, MedGen C0004135, MONDO:0008840, OMIM 208900.

Allele frequency attached by ClinVar (database versions not stated): gnomAD exomes 0.00001.
gnomAD v4.1: 8 of 1,614,170 alleles (0.0005%); highest among the groups gnomAD compares: Non-Finnish European, 0.00068%; no homozygotes.

Submissions (4):

Labcorp Genetics (formerly Invitae), Labcorp
Classification: Likely benign for Ataxia-telangiectasia syndrome. Last evaluated: 2025-11-17. Review status: criteria provided, single submitter. Criteria: Invitae Variant Classification Sherloc (09022015). Collection method: clinical testing. Allele origin: germline.

Myriad Genetics, Inc.
Classification: Benign for Familial cancer of breast. Last evaluated: 2024-05-09. Review status: criteria provided, single submitter. Criteria: Myriad Autosomal Dominant, Autosomal Recessive and X-Linked Classification Criteria (2023). Collection method: clinical testing. Allele origin: unknown.
Comment: This variant is considered benign. This variant is a silent/synonymous amino acid change and it is not expected to impact splicing.

Color Diagnostics, LLC DBA Color Health
Classification: Likely benign for Hereditary cancer-predisposing syndrome. Last evaluated: 2017-10-20. Review status: criteria provided, single submitter. Criteria: ACMG Guidelines, 2015. Collection method: clinical testing. Allele origin: germline.

Ambry Genetics
Classification: Likely benign for Hereditary cancer-predisposing syndrome. Last evaluated: 2015-10-11. Review status: criteria provided, single submitter. Criteria: Ambry Variant Classification Scheme 2023. Collection method: clinical testing. Allele origin: germline.